The following is an entry in ClinVar:

ClinVar aggregate classification (germline): Uncertain significance. Review status: criteria provided, multiple submitters, no conflicts (2 of 4 stars). 2 submissions from 2 submitters: Uncertain significance (2). Last evaluated 2025-01-04.

Conditions:
Hereditary cancer-predisposing syndrome. Also called: Tumor predisposition; Hereditary Cancer Syndrome; Hereditary neoplastic syndrome; Neoplastic Syndromes, Hereditary. Identifiers: Orphanet 140162, MedGen C0027672, MeSH D009386, MONDO:0015356.

gnomAD v4.1: 2 of 1,611,252 alleles (0.00012%); highest among the groups gnomAD compares: Non-Finnish European, 0.00017%; no homozygotes.

Submissions (2):

Ambry Genetics
Classification: Uncertain significance for Hereditary cancer-predisposing syndrome. Last evaluated: 2025-01-04. Review status: criteria provided, single submitter. Criteria: Ambry Variant Classification Scheme 2023. Collection method: clinical testing. Allele origin: germline.
Comment: The p.D708E variant (also known as c.2124C>G), located in coding exon 15 of the MSH3 gene, results from a C to G substitution at nucleotide position 2124. The aspartic acid at codon 708 is replaced by glutamic acid, an amino acid with highly similar properties. This amino acid position is conserved. In addition, this alteration is predicted to be tolerated by in silico analysis. Based on the available evidence, the clinical significance of this variant remains unclear.

Labcorp Genetics (formerly Invitae), Labcorp
Classification: Uncertain significance. Last evaluated: 2024-12-02. Review status: criteria provided, single submitter. Criteria: Invitae Variant Classification Sherloc (09022015). Collection method: clinical testing. Allele origin: germline.
Comment: This sequence change replaces aspartic acid, which is acidic and polar, with glutamic acid, which is acidic and polar, at codon 708 of the MSH3 protein (p.Asp708Glu). This variant is not present in population databases (gnomAD no frequency). This variant has not been reported in the literature in individuals affected with MSH3-related conditions. An algorithm developed to predict the effect of missense changes on protein structure and function (PolyPhen-2) suggests that this variant is likely to be tolerated. In summary, the available evidence is currently insufficient to determine the role of this variant in disease. Therefore, it has been classified as a Variant of Uncertain Significance.

NM_002439.5(MSH3):c.2124C>G (p.Asp708Glu)

Gene: MSH3 (mutS homolog 3; plus strand). Cytogenetic location: 5q14.1.
Variant type: single nucleotide variant.
Coding change: c.2124C>G on transcript NM_002439.5 (MANE Select); coding-DNA position 2124, C replaced by G.
Protein change: p.Asp708Glu; replaces aspartic acid 708 with glutamic acid.
Molecular consequence: missense variant.
Genome position (GRCh38, 1-based): chr5:80,768,874, C>G. VCF-style: chr5-80768874-C-G. GRCh37 (hg19) VCF-style: chr5-80064693-C-G.
Other names: c.2124C>G (NM_002439.3); short protein forms D708E.
Identifiers: ClinVar variation 3730631 (VCV003730631.3).